The following is an entry in ClinVar:

NM_001286577.2(C2CD3):c.6515C>T (p.Pro2172Leu)

Gene: C2CD3 (C2 domain containing 3 centriole elongation regulator; minus strand). Cytogenetic location: 11q13.4.
Variant type: single nucleotide variant.
Coding change: c.6515C>T on transcript NM_001286577.2 (MANE Select); coding-DNA position 6515, C replaced by T.
Protein change: p.Pro2172Leu; replaces proline 2172 with leucine.
Molecular consequence: missense variant.
Genome position (GRCh38, 1-based): chr11:74,033,645, G>A on the plus strand (C>T on the coding strand, the complement: C2CD3 is on the minus strand). VCF-style: chr11-74033645-G-A. GRCh37 (hg19) VCF-style: chr11-73744690-G-A.
Other names: short protein forms P2172L.
Identifiers: ClinVar variation 2084897 (VCV002084897.4), dbSNP rs2496201079, ClinGen allele CA381820045.

ClinVar aggregate classification (germline): Uncertain significance (1 of 4 stars; one submission).

gnomAD v4.1: 2 of 1,536,170 alleles (0.00013%); highest among the groups gnomAD compares: South Asian, 0.0012%; no homozygotes.

Submission:

Labcorp Genetics (formerly Invitae), Labcorp
Classification: Uncertain significance. Last evaluated: 2022-07-06. Review status: criteria provided, single submitter. Criteria: Invitae Variant Classification Sherloc (09022015). Collection method: clinical testing. Allele origin: germline.
Comment: This variant has not been reported in the literature in individuals affected with C2CD3-related conditions. Experimental studies and prediction algorithms are not available or were not evaluated, and the functional significance of this variant is currently unknown. In summary, the available evidence is currently insufficient to determine the role of this variant in disease. Therefore, it has been classified as a Variant of Uncertain Significance. This variant is not present in population databases (gnomAD no frequency). The C2CD3 gene has multiple clinically relevant transcripts. This variant occurs in alternate transcript NM_001286577.1, and corresponds to NM_015531.5:c.*953C>T in the primary transcript. This sequence change replaces proline, which is neutral and non-polar, with leucine, which is neutral and non-polar, at codon 2172 of the C2CD3 protein (p.Pro2172Leu).